The following is an entry in ClinVar:

ClinVar aggregate classification (germline): Conflicting classifications of pathogenicity. Review status: criteria provided, conflicting classifications (1 of 4 stars). 3 submissions from 3 submitters: Uncertain significance (2); Benign (1). Last evaluated 2024-04-27.

Conditions:
Inborn genetic diseases. Identifiers: MedGen C0950123, MeSH D030342.
Parkinson disease 17 (PARK17). Also called: VPS35-Related Parkinson Disease. Identifiers: Orphanet 411602, MedGen C3280133, MONDO:0013625, OMIM 614203.

Allele frequency attached by ClinVar (database versions not stated): ExAC 0.00003; gnomAD exomes 0.00004 and 0.00011; gnomAD 0.00005 and 0.00006; TOPMed 0.00005; ESP Exome Variant Server 0.00023.
gnomAD v4.1: 169 of 1,613,606 alleles (0.01%); highest among the groups gnomAD compares: Non-Finnish European, 0.014%; no homozygotes.

Submissions (3):

Ambry Genetics
Classification: Uncertain significance for Inborn genetic diseases. Last evaluated: 2024-04-27. Review status: criteria provided, single submitter. Criteria: Ambry Variant Classification Scheme 2023. Collection method: clinical testing. Allele origin: germline.

Labcorp Genetics (formerly Invitae), Labcorp
Classification: Uncertain significance for Parkinson disease 17. Last evaluated: 2024-02-28. Review status: criteria provided, single submitter. Criteria: Invitae Variant Classification Sherloc (09022015). Collection method: clinical testing. Allele origin: germline.
Comment: This sequence change replaces glutamine, which is neutral and polar, with glutamic acid, which is acidic and polar, at codon 474 of the VPS35 protein (p.Gln474Glu). This variant is present in population databases (rs370401767, gnomAD 0.009%). This variant has not been reported in the literature in individuals affected with VPS35-related conditions. ClinVar contains an entry for this variant (Variation ID: 651640). Advanced modeling of protein sequence and biophysical properties (such as structural, functional, and spatial information, amino acid conservation, physicochemical variation, residue mobility, and thermodynamic stability) performed at Invitae indicates that this missense variant is not expected to disrupt VPS35 protein function with a negative predictive value of 80%. In summary, the available evidence is currently insufficient to determine the role of this variant in disease. Therefore, it has been classified as a Variant of Uncertain Significance.

Illumina Laboratory Services, Illumina
Classification: Benign for Parkinson disease 17. Last evaluated: 2017-04-27. Review status: criteria provided, single submitter. Criteria: ICSL Variant Classification Criteria 13 December 2019. Collection method: clinical testing. Allele origin: germline.
Comment: This variant was observed as part of a predisposition screen in an ostensibly healthy population. A literature search was performed for the gene, cDNA change, and amino acid change (where applicable). No publications were found based on this search. Allele frequency data from public databases was too high to be consistent with this variant causing disease. Therefore, this variant is classified as benign.

NM_018206.6(VPS35):c.1420C>G (p.Gln474Glu)

Gene: VPS35 (VPS35 retromer complex component; minus strand). Cytogenetic location: 16q11.2.
Variant type: single nucleotide variant.
Coding change: c.1420C>G on transcript NM_018206.6 (MANE Select); coding-DNA position 1420, C replaced by G.
Protein change: p.Gln474Glu; replaces glutamine 474 with glutamic acid.
Molecular consequence: missense variant.
Genome position (GRCh38, 1-based): chr16:46,671,809, G>C on the plus strand (C>G on the coding strand, the complement: VPS35 is on the minus strand). VCF-style: chr16-46671809-G-C. GRCh37 (hg19) VCF-style: chr16-46705721-G-C.
Other names: short protein forms Q474E.
Identifiers: ClinVar variation 651640 (VCV000651640.16), dbSNP rs370401767, ClinGen allele CA8036805.
Genomic context (GRCh38, chr16:46,671,809, plus strand): 5'-AGCGGCCCACAAGGCTCTGCTCATCAGCAAAATCTTCTGGATCAGGGTCTTCTACAGGTT[G>C]ATCTGGCTGATCTTGAATCAACGTGGATACCAAATTCATTATGGAATCCACCTGTAACAT-3'
Protein context (NP_060676.2, residues 464-484): VSTLIQDQPD[Gln474Glu]PVEDPDPEDF